The following is an entry in ClinVar:

NM_020778.5(ALPK3):c.3722G>T (p.Ser1241Ile)

Gene: ALPK3 (alpha kinase 3; plus strand). Cytogenetic location: 15q25.3.
Variant type: single nucleotide variant.
Coding change: c.3722G>T on transcript NM_020778.5 (MANE Select); coding-DNA position 3722, G replaced by T.
Protein change: p.Ser1241Ile; replaces serine 1241 with isoleucine.
Molecular consequence: missense variant.
Genome position (GRCh38, 1-based): chr15:84,858,460, G>T. VCF-style: chr15-84858460-G-T. GRCh37 (hg19) VCF-style: chr15-85401691-G-T.
Other names: short protein forms S1241I.
Identifiers: ClinVar variation 2563942 (VCV002563942.2), dbSNP rs2505722769, ClinGen allele CA393360826.

ClinVar aggregate classification (germline): Uncertain significance (1 of 4 stars; one submission).

Conditions:
Cardiovascular phenotype. Identifiers: MedGen CN230736.

Submission:

Ambry Genetics
Classification: Uncertain significance for Cardiovascular phenotype. Last evaluated: 2023-04-16. Review status: criteria provided, single submitter. Criteria: Ambry Variant Classification Scheme 2023. Collection method: clinical testing. Allele origin: germline.
Comment: The p.S1443I variant (also known as c.4328G>T), located in coding exon 6 of the ALPK3 gene, results from a G to T substitution at nucleotide position 4328. The serine at codon 1443 is replaced by isoleucine, an amino acid with dissimilar properties. This amino acid position is conserved. In addition, this alteration is predicted to be tolerated by in silico analysis. Since supporting evidence is limited at this time, the clinical significance of this alteration remains unclear.